The following is an entry in ClinVar:

ClinVar aggregate classification (germline): Uncertain significance. Review status: criteria provided, multiple submitters, no conflicts (2 of 4 stars). 2 submissions from 2 submitters: Uncertain significance (2). Last evaluated 2023-08-27.

Allele frequency attached by ClinVar (database versions not stated): ExAC 0.00001; TOPMed 0.00002.
gnomAD v4.1: 24 of 1,614,046 alleles (0.0015%); highest among the groups gnomAD compares: Non-Finnish European, 0.0016%; no homozygotes.

Submissions (2):

Labcorp Genetics (formerly Invitae), Labcorp
Classification: Uncertain significance. Last evaluated: 2023-08-27. Review status: criteria provided, single submitter. Criteria: Invitae Variant Classification Sherloc (09022015). Collection method: clinical testing. Allele origin: germline.
Comment: This sequence change replaces arginine, which is basic and polar, with cysteine, which is neutral and slightly polar, at codon 1383 of the NPAT protein (p.Arg1383Cys). This variant is present in population databases (rs745467845, gnomAD 0.006%). This variant has not been reported in the literature in individuals affected with NPAT-related conditions. ClinVar contains an entry for this variant (Variation ID: 1738208). An algorithm developed to predict the effect of missense changes on protein structure and function (PolyPhen-2) suggests that this variant is likely to be disruptive. In summary, the available evidence is currently insufficient to determine the role of this variant in disease. Therefore, it has been classified as a Variant of Uncertain Significance.

Ambry Genetics
Classification: Uncertain significance. Last evaluated: 2022-10-28. Review status: criteria provided, single submitter. Criteria: Ambry Variant Classification Scheme 2023. Collection method: clinical testing. Allele origin: germline.
Comment: The p.R1383C variant (also known as c.4147C>T), located in coding exon 17 of the NPAT gene, results from a C to T substitution at nucleotide position 4147. The arginine at codon 1383 is replaced by cysteine, an amino acid with highly dissimilar properties. This amino acid position is conserved. In addition, this alteration is predicted to be tolerated by in silico analysis. Since supporting evidence is limited at this time, the clinical significance of this alteration remains unclear.

NM_002519.3(NPAT):c.4147C>T (p.Arg1383Cys)

Gene: NPAT (nuclear protein, coactivator of histone transcription; minus strand). Cytogenetic location: 11q22.3.
Variant type: single nucleotide variant.
Coding change: c.4147C>T on transcript NM_002519.3 (MANE Select); coding-DNA position 4147, C replaced by T.
Protein change: p.Arg1383Cys; replaces arginine 1383 with cysteine.
Molecular consequence: missense variant.
Genome position (GRCh38, 1-based): chr11:108,160,939, G>A on the plus strand (C>T on the coding strand, the complement: NPAT is on the minus strand). VCF-style: chr11-108160939-G-A. GRCh37 (hg19) VCF-style: chr11-108031666-G-A.
Other names: c.4168C>T, p.Arg1390Cys (NM_001321307.1); short protein forms R1383C, R1390C.
Identifiers: ClinVar variation 1738208 (VCV001738208.5), dbSNP rs745467845, ClinGen allele CA6263472.